The following is an entry in ClinVar:

NM_030962.4(SBF2):c.64G>A (p.Glu22Lys)

Gene: SBF2 (SET binding factor 2; minus strand). Cytogenetic location: 11p15.4.
Variant type: single nucleotide variant.
Coding change: c.64G>A on transcript NM_030962.4 (MANE Select); coding-DNA position 64, G replaced by A.
Protein change: p.Glu22Lys; replaces glutamic acid 22 with lysine.
Molecular consequence: missense variant.
Genome position (GRCh38, 1-based): chr11:10,193,979, C>T on the plus strand (G>A on the coding strand, the complement: SBF2 is on the minus strand). VCF-style: chr11-10193979-C-T. GRCh37 (hg19) VCF-style: chr11-10215526-C-T.
Other names: c.64G>A, p.Glu22Lys (NM_001386339.1, NM_001386342.1); short protein forms E22K.
Identifiers: ClinVar variation 1039821 (VCV001039821.7), dbSNP rs749815764, ClinGen allele CA5882228.

ClinVar aggregate classification (germline): Uncertain significance. Review status: criteria provided, multiple submitters, no conflicts (2 of 4 stars). 2 submissions from 2 submitters: Uncertain significance (2). Last evaluated 2024-09-17.

Conditions:
Charcot-Marie-Tooth disease type 4. Also called: Charcot-Marie-Tooth disease, type IV; Charcot-Marie-Tooth, Type 4. Identifiers: Orphanet 64749, MedGen C4082197, MONDO:0018995.
Charcot-Marie-Tooth disease type 4B2. Also called: Charcot-Marie-Tooth Neuropathy Type 4B2; CHARCOT-MARIE-TOOTH DISEASE, DEMYELINATING, TYPE 4B2; CHARCOT-MARIE-TOOTH DISEASE, WITH FOCALLY FOLDED MYELIN SHEATHS, AUTOSOMAL RECESSIVE, TYPE 4B2; CMT 4B2. Identifiers: Orphanet 99956, MedGen C1858278, MONDO:0011475, OMIM 604563.

Allele frequency attached by ClinVar (database versions not stated): ExAC 0.00001; gnomAD 0.00001; gnomAD exomes 0.00001; TOPMed 0.00001.
gnomAD v4.1: 15 of 1,606,602 alleles (0.00093%); highest among the groups gnomAD compares: African/African-American, 0.0013%; no homozygotes.

Submissions (2):

ARUP Laboratories, Molecular Genetics and Genomics, ARUP Laboratories
Classification: Uncertain significance for Charcot-Marie-Tooth disease type 4B2. Last evaluated: 2024-09-17. Review status: criteria provided, single submitter. Criteria: ARUP Molecular Germline Variant Investigation Process 2024. Collection method: clinical testing. Allele origin: germline.
Comment: The SBF2 c.64G>A; p.Glu22Lys variant (rs749815764), to our knowledge, is not reported in the medical literature but is reported in ClinVar (Variation ID: 1039821). This variant is only observed on two alleles in the Genome Aggregation Database (v2.1.1), indicating it is not a common polymorphism. Computational analyses are uncertain whether this variant is neutral or deleterious (REVEL: 0.168). Due to limited information, the clinical significance of this variant is uncertain at this time.

Labcorp Genetics (formerly Invitae), Labcorp
Classification: Uncertain significance for Charcot-Marie-Tooth disease type 4. Last evaluated: 2021-08-20. Review status: criteria provided, single submitter. Criteria: Invitae Variant Classification Sherloc (09022015). Collection method: clinical testing. Allele origin: germline.
Comment: This sequence change replaces glutamic acid with lysine at codon 22 of the SBF2 protein (p.Glu22Lys). The glutamic acid residue is weakly conserved and there is a small physicochemical difference between glutamic acid and lysine. This variant is present in population databases (rs749815764, ExAC no frequency). This variant has not been reported in the literature in individuals affected with SBF2-related conditions. Algorithms developed to predict the effect of missense changes on protein structure and function (SIFT, PolyPhen-2, Align-GVGD) all suggest that this variant is likely to be tolerated. In summary, the available evidence is currently insufficient to determine the role of this variant in disease. Therefore, it has been classified as a Variant of Uncertain Significance.